The following is an entry in ClinVar:

ClinVar aggregate classification (germline): Uncertain significance (0 of 4 stars; one submission).

Conditions:
RAI1-related disorder. Also called: RAI1-related condition.

Submission:

PreventionGenetics, part of Exact Sciences
Classification: Uncertain significance for RAI1-related condition. Last evaluated: 2024-08-15. Review status: no assertion criteria provided. Collection method: clinical testing. Allele origin: germline.
Comment: The RAI1 c.3390_3419del30 variant is predicted to result in an in-frame deletion (p.Glu1130_Lys1139del). To our knowledge, this variant has not been reported in the literature or in a large population database, indicating this variant is rare. At this time, the clinical significance of this variant is uncertain due to the absence of conclusive functional and genetic evidence.

NM_030665.4(RAI1):c.3390_3419del (p.Glu1130_Lys1139del)

Gene: RAI1 (retinoic acid induced 1; plus strand). Cytogenetic location: 17p11.2.
Variant type: Deletion.
Coding change: c.3390_3419del on transcript NM_030665.4 (MANE Select); coding-DNA positions 3390 to 3419, 30 bases deleted (GACAGACTCACCCAGCACGCCTGGCAAGGA).
Protein change: p.Glu1130_Lys1139del.
Molecular consequence: inframe deletion.
Genome position (GRCh38, 1-based): chr17:17,796,338-17,796,367, GACAGACTCACCCAGCACGCCTGGCAAGGA deleted; deleting any 30 consecutive bases within chr17:17,796,332-17,796,367 gives the same sequence; the c. name uses the placement nearest the transcript's 3' end. VCF-style (leftmost placement, unchanged base first): chr17-17796331-CCAAGGAGACAGACTCACCCAGCACGCCTGG-C. GRCh37 (hg19) VCF-style: chr17-17699645-CCAAGGAGACAGACTCACCCAGCACGCCTGG-C.
Identifiers: ClinVar variation 3347947 (VCV003347947.1).